The following is an entry in ClinVar:

NM_000219.6(KCNE1):c.315G>A (p.Ser105=)

Gene: KCNE1 (potassium voltage-gated channel subfamily E regulatory subunit 1; minus strand). Cytogenetic location: 21q22.12.
Variant type: single nucleotide variant.
Coding change: c.315G>A on transcript NM_000219.6 (MANE Select); coding-DNA position 315, G replaced by A.
Protein change: p.Ser105=; no amino-acid change (serine 105 retained).
Molecular consequence: synonymous variant.
Genome position (GRCh38, 1-based): chr21:34,449,320, C>T on the plus strand (G>A on the coding strand, the complement: KCNE1 is on the minus strand). VCF-style: chr21-34449320-C-T. GRCh37 (hg19) VCF-style: chr21-35821618-C-T.
Other names: c.315G>A, p.Ser105= (NM_001127668.4, NM_001127669.4, NM_001127670.4 and 4 more transcripts).
Identifiers: ClinVar variation 505155 (VCV000505155.21), dbSNP rs563859144, ClinGen allele CA320425143.
Genomic context (GRCh38, chr21:34,449,320, plus strand): 5'-CGTCTCAGGAAGGTGTGTGTTGGGTTGTTCTATGGCCAGATGGTTTTCAACGACATAGCA[C>T]GACCTGTAGCTCTCCAGGACCCGGGCCTGGACATAGGCCTTGTCCTTCTCTTGCCAGGCA-3'
Protein context (NP_000210.2, residues 95-115): VQARVLESYR[Ser105=]CYVVENHLAI

ClinVar aggregate classification (germline): Benign/Likely benign. Review status: criteria provided, multiple submitters, no conflicts (2 of 4 stars). 5 submissions from 5 submitters: Benign (2); Likely benign (3). Last evaluated 2025-06-08.

Conditions:
Cardiovascular phenotype. Identifiers: MedGen CN230736.
Long QT syndrome (LQTS). Identifiers: MedGen C0023976, MeSH D008133, MONDO:0002442. Disease mechanism: loss of function. Inheritance: Various modes of inheritance.

Allele frequency attached by ClinVar (database versions not stated): ExAC 0.00002; gnomAD exomes 0.00004; gnomAD 0.00005; TOPMed 0.00008.

Submissions (6):

Labcorp Genetics (formerly Invitae), Labcorp
Classification: Likely benign for Long QT syndrome. Last evaluated: 2025-06-08. Review status: criteria provided, single submitter. Criteria: Invitae Variant Classification Sherloc (09022015). Collection method: clinical testing. Allele origin: germline.

Blueprint Genetics
Classification: Likely benign. Last evaluated: 2024-10-23. Review status: criteria provided, single submitter. Criteria: ACMG Guidelines, 2015. Collection method: clinical testing. Allele origin: germline.

GeneDx
Classification: Benign. Last evaluated: 2017-08-07. Review status: criteria provided, single submitter. Criteria: GeneDx Variant Classification Process June 2021. Collection method: clinical testing. Allele origin: germline. Affected: yes.

Laboratory for Molecular Medicine, Mass General Brigham Personalized Medicine
Classification: Likely benign. Last evaluated: 2016-06-21. Review status: criteria provided, single submitter. Criteria: LMM Criteria. Collection method: clinical testing. Allele origin: germline. Observed: 1 variant allele.
Comment: p.Ser105Ser in Exon 3 of KCNE1: This variant is not expected to have clinical si gnificance because it does not alter an amino acid residue and is not located wi thin the splice consensus sequence. It has been identified in 2/66144 chromosome s by the Exome Aggregation Consortium (ExAC; dbS NP rs563859144).

Ambry Genetics
Classification: Benign for Cardiovascular phenotype. Last evaluated: 2015-06-04. Review status: criteria provided, single submitter. Criteria: Ambry Variant Classification Scheme 2023. Collection method: clinical testing. Allele origin: germline.

Roden Lab, Vanderbilt University Medical Center
No classification provided (evidence only). Condition: Long QT syndrome 5. Review status: no classification provided. Collection method: in vitro. Allele origin: not applicable. Functional consequence: Effect on ion channel function. Not counted in ClinVar's aggregate classification.
ClinVar note: "not provided" was previously submitted as the classification for the variant. However, the classification appeared to be based only on an observation of functional data so it was converted to no classification on 2025-07-30.